The following is an entry in ClinVar:

ClinVar aggregate classification (germline): Uncertain significance (1 of 4 stars; one submission).

Submission:

GeneDx
Classification: Uncertain significance. Last evaluated: 2026-09-25. Review status: criteria provided, single submitter. Criteria: GeneDx Variant Classification Process June 2021. Collection method: clinical testing. Allele origin: germline.
Comment: Not observed at significant frequency in large population cohorts (gnomAD); In silico analysis suggests that this missense variant does not alter protein structure/function; Has not been previously published as pathogenic or benign to our knowledge

NM_015215.4(CAMTA1):c.3751G>A (p.Glu1251Lys)

Genes: CAMTA1 (calmodulin binding transcription activator 1; plus strand), LOC126805603 (CDK7 strongly-dependent group 2 enhancer GRCh37_chr1:7798026-7799225; plus strand). Cytogenetic location: 1p36.23.
Variant type: single nucleotide variant.
Coding change: c.3751G>A on transcript NM_015215.4 (MANE Select); coding-DNA position 3751, G replaced by A.
Protein change: p.Glu1251Lys; replaces glutamic acid 1251 with lysine.
Molecular consequence: missense variant. On other transcripts: intron variant (11).
Genome position (GRCh38, 1-based): chr1:7,738,051, G>A. VCF-style: chr1-7738051-G-A. GRCh37 (hg19) VCF-style: chr1-7798111-G-A.
Other names: c.823G>A, p.Glu275Lys (NM_001349614.1, NM_001349615.2, NM_001349616.2 and 2 more transcripts); c.3659-247G>A (NM_001349609.2, NM_001349610.2); c.3569-247G>A (NM_001349612.2); c.731-247G>A (NM_001349620.1, NM_001349621.1, NM_001349625.2 and 5 more transcripts); c.3661G>A, p.Glu1221Lys (NM_001349608.2); c.880G>A, p.Glu294Lys (NM_001349613.1); short protein forms E1221K, E1251K, E275K, E294K.
Identifiers: ClinVar variation 1712632 (VCV001712632.3), dbSNP rs2523233312, ClinGen allele CA338131881.